The following is an entry in ClinVar:

NM_000088.4(COL1A1):c.334-1G>A

Gene: COL1A1 (collagen type I alpha 1 chain; minus strand). Cytogenetic location: 17q21.33.
Variant type: single nucleotide variant.
Coding change: c.334-1G>A on transcript NM_000088.4 (MANE Select); the canonical splice acceptor site of the intron before coding-DNA position 334, G replaced by A.
Molecular consequence: splice acceptor variant.
Genome position (GRCh38, 1-based): chr17:50,199,454, C>T on the plus strand (G>A on the coding strand, the complement: COL1A1 is on the minus strand). VCF-style: chr17-50199454-C-T. GRCh37 (hg19) VCF-style: chr17-48276815-C-T.
Identifiers: ClinVar variation 665531 (VCV000665531.10), dbSNP rs1598301459, ClinGen allele CA400227736.

ClinVar aggregate classification (germline): Pathogenic. Review status: criteria provided, multiple submitters, no conflicts (2 of 4 stars). 2 submissions from 2 submitters: Pathogenic (2). Last evaluated 2025-09-10.

Conditions:
Osteogenesis imperfecta type I (OI1). Also called: OI, TYPE I; OSTEOGENESIS IMPERFECTA TARDA; OSTEOGENESIS IMPERFECTA WITH BLUE SCLERAE; Osteogenesis imperfecta type 1; Lobstein disease; Classic Non-deforming Osteogenesis Imperfecta with Blue Sclerae. Identifiers: Orphanet 216796, Orphanet 666, MedGen C0023931, MONDO:0008146, OMIM 166200. Disease mechanism: loss of function.

Submissions (2):

Genomic Medicine Center of Excellence, King Faisal Specialist Hospital and Research Centre
Classification: Pathogenic for Osteogenesis imperfecta type I. Last evaluated: 2025-09-10. Review status: criteria provided, single submitter. Criteria: ACMG Guidelines, 2015. Collection method: clinical testing. Allele origin: germline.

Labcorp Genetics (formerly Invitae), Labcorp
Classification: Pathogenic for Osteogenesis imperfecta type I. Last evaluated: 2024-11-12. Review status: criteria provided, single submitter. Criteria: Invitae Variant Classification Sherloc (09022015). Collection method: clinical testing. Allele origin: germline.
Comment: This sequence change affects an acceptor splice site in intron 3 of the COL1A1 gene. It is expected to disrupt RNA splicing. Variants that disrupt the donor or acceptor splice site typically lead to a loss of protein function (PMID: 16199547), and loss-of-function variants in COL1A1 are known to be pathogenic (PMID: 7942841, 9295084, 9443882). This variant is not present in population databases (gnomAD no frequency). Disruption of this splice site has been observed in individuals with osteogenesis imperfecta (PMID: 15241796; internal data). ClinVar contains an entry for this variant (Variation ID: 665531). Algorithms developed to predict the effect of sequence changes on RNA splicing suggest that this variant may disrupt the consensus splice site. For these reasons, this variant has been classified as Pathogenic.

Literature cited by the submitters: PubMed 16199547 (cited by Labcorp Genetics (formerly Invitae), Labcorp); PubMed 7942841 (cited by Labcorp Genetics (formerly Invitae), Labcorp); PubMed 9295084 (cited by Labcorp Genetics (formerly Invitae), Labcorp); PubMed 9443882 (cited by Labcorp Genetics (formerly Invitae), Labcorp); PubMed 15241796 (cited by Labcorp Genetics (formerly Invitae), Labcorp).